The following is an entry in ClinVar:

ClinVar aggregate classification (germline): Likely pathogenic (1 of 4 stars; one submission).

Conditions:
Deficiency of alpha-mannosidase (MANSA). Also called: Mannosidosis, alpha-, types I and II; Alpha-Mannosidosis; LYSOSOMAL ALPHA-D-MANNOSIDASE DEFICIENCY. Identifiers: Orphanet 61, MedGen C0024748, MONDO:0009561, OMIM 248500.

Submission:

Labcorp Genetics (formerly Invitae), Labcorp
Classification: Likely pathogenic for Deficiency of alpha-mannosidase. Last evaluated: 2022-02-20. Review status: criteria provided, single submitter. Criteria: Invitae Variant Classification Sherloc (09022015). Collection method: clinical testing. Allele origin: germline.
Comment: This sequence change affects a donor splice site in intron 6 of the MAN2B1 gene. It is expected to disrupt RNA splicing. Variants that disrupt the donor or acceptor splice site typically lead to a loss of protein function (PMID: 16199547), and loss-of-function variants in MAN2B1 are known to be pathogenic (PMID: 9915946, 22161967). Algorithms developed to predict the effect of sequence changes on RNA splicing suggest that this variant may disrupt the consensus splice site. This variant has not been reported in the literature in individuals affected with MAN2B1-related conditions. This variant is not present in population databases (gnomAD no frequency). In summary, the currently available evidence indicates that the variant is pathogenic, but additional data are needed to prove that conclusively. Therefore, this variant has been classified as Likely Pathogenic.

Literature cited by the submitters: PubMed 16199547; PubMed 9915946; PubMed 22161967.

NM_000528.4(MAN2B1):c.909+1G>C

Gene: MAN2B1 (mannosidase alpha class 2B member 1; minus strand). Cytogenetic location: 19p13.13.
Variant type: single nucleotide variant.
Coding change: c.909+1G>C on transcript NM_000528.4 (MANE Select); the canonical splice donor site of the intron after coding-DNA position 909, G replaced by C.
Molecular consequence: splice donor variant.
Genome position (GRCh38, 1-based): chr19:12,663,316, C>G on the plus strand (G>C on the coding strand, the complement: MAN2B1 is on the minus strand). VCF-style: chr19-12663316-C-G. GRCh37 (hg19) VCF-style: chr19-12774130-C-G.
Other names: c.909+1G>C (NM_001173498.2).
Identifiers: ClinVar variation 2096181 (VCV002096181.4), dbSNP rs2512511146, ClinGen allele CA404251814.